The following is an entry in ClinVar:

NM_003072.5(SMARCA4):c.4887_4889del (p.Asp1630del)

Gene: SMARCA4 (SWI/SNF related BAF chromatin remodeling complex subunit ATPase 4; plus strand). Cytogenetic location: 19p13.2.
Variant type: Deletion.
Coding change: c.4887_4889del on transcript NM_003072.5 (MANE Select); coding-DNA positions 4887 to 4889, 3 bases deleted (TGA; older notation c.4887_4889delTGA).
Protein change: p.Asp1630del; deletes aspartic acid 1630.
Molecular consequence: inframe deletion. On other transcripts: non-coding transcript variant (1).
Genome position (GRCh38, 1-based): chr19:11,060,163-11,060,165, TGA deleted; deleting any 3 consecutive bases within chr19:11,060,161-11,060,165 gives the same sequence; the c. name uses the placement nearest the transcript's 3' end. VCF-style (leftmost placement, unchanged base first): chr19-11060160-CGAT-C. GRCh37 (hg19) VCF-style: chr19-11170836-CGAT-C.
Other names: c.4887_4889del, p.Asp1630del (NM_001128844.3); c.4797_4799del, p.Asp1600del (NM_001128845.2); c.4794_4796del, p.Asp1599del (NM_001128846.2); c.4788_4790del, p.Asp1597del (NM_001128847.4, NM_001374457.1); c.4785_4787del, p.Asp1596del (NM_001128848.2); c.4983_4985del, p.Asp1662del (NM_001128849.3, NM_001387283.1); short protein forms D1597del, D1599del, D1600del, D1630del, D1662del, D1596del.
Identifiers: ClinVar variation 1409661 (VCV001409661.9), dbSNP rs2147126620, ClinGen allele CA2573155678.

ClinVar aggregate classification (germline): Uncertain significance. Review status: criteria provided, multiple submitters, no conflicts (2 of 4 stars). 2 submissions from 2 submitters: Uncertain significance (2). Last evaluated 2025-12-12.

Conditions:
Hereditary cancer-predisposing syndrome. Also called: Hereditary Cancer Syndrome; Tumor predisposition; Hereditary neoplastic syndrome; Neoplastic Syndromes, Hereditary. Identifiers: Orphanet 140162, MedGen C0027672, MeSH D009386, MONDO:0015356.
Rhabdoid tumor predisposition syndrome 2 (RTPS2). Identifiers: Orphanet 231108, Orphanet 69077, MedGen C2750074, MONDO:0013224, OMIM 613325.

Submissions (2):

Labcorp Genetics (formerly Invitae), Labcorp
Classification: Uncertain significance for Rhabdoid tumor predisposition syndrome 2. Last evaluated: 2025-12-12. Review status: criteria provided, single submitter. Criteria: Invitae Variant Classification Sherloc (09022015). Collection method: clinical testing. Allele origin: germline.
Comment: This variant, c.4983_4985del, results in the deletion of 1 amino acid(s) of the SMARCA4 protein (p.Asp1662del), but otherwise preserves the integrity of the reading frame. This variant is not present in population databases (gnomAD no frequency). This variant has not been reported in the literature in individuals affected with SMARCA4-related conditions. ClinVar contains an entry for this variant (Variation ID: 1409661). Experimental studies and prediction algorithms are not available or were not evaluated, and the functional significance of this variant is currently unknown. In summary, the available evidence is currently insufficient to determine the role of this variant in disease. Therefore, it has been classified as a Variant of Uncertain Significance.

Ambry Genetics
Classification: Uncertain significance for Hereditary cancer-predisposing syndrome. Last evaluated: 2025-03-12. Review status: criteria provided, single submitter. Criteria: Ambry Variant Classification Scheme 2023. Collection method: clinical testing. Allele origin: germline.
Comment: The c.4983_4985delTGA variant (also known as p.D1662del) is located in coding exon 34 of the SMARCA4 gene. This variant results from an in-frame TGA deletion at nucleotide positions 4983 to 4985. This results in the in-frame deletion of an aspartic acid at codon 1662. This amino acid position is highly conserved in available vertebrate species. In addition, this alteration is predicted to be inconclusive by in silico analysis (Choi Y et al. PLoS ONE. 2012; 7(10):e46688). Since supporting evidence is limited at this time, the clinical significance of this alteration remains unclear.